The following is an entry in ClinVar:

NM_002055.5(GFAP):c.1046A>G (p.Tyr349Cys)

Gene: GFAP (glial fibrillary acidic protein; minus strand). Cytogenetic location: 17q21.31.
Variant type: single nucleotide variant.
Coding change: c.1046A>G on transcript NM_002055.5 (MANE Select); coding-DNA position 1046, A replaced by G.
Protein change: p.Tyr349Cys; replaces tyrosine 349 with cysteine.
Molecular consequence: missense variant.
Genome position (GRCh38, 1-based): chr17:44,911,317, T>C on the plus strand (A>G on the coding strand, the complement: GFAP is on the minus strand). VCF-style: chr17-44911317-T-C. GRCh37 (hg19) VCF-style: chr17-42988685-T-C.
Other names: c.1046A>G, p.Tyr349Cys (NM_001131019.3, NM_001242376.3, NM_001363846.2); short protein forms Y349C.
Identifiers: ClinVar variation 1314391 (VCV001314391.2), dbSNP rs1057518828, ClinGen allele CA399843763.

ClinVar aggregate classification (germline): Uncertain significance (1 of 4 stars; one submission).

Submission:

GeneDx
Classification: Uncertain significance. Last evaluated: 2021-04-12. Review status: criteria provided, single submitter. Criteria: GeneDx Variant Classification Process June 2021. Collection method: clinical testing. Allele origin: germline. Affected: yes.
Comment: Not observed in large population cohorts (Lek et al., 2016); In silico analysis supports that this missense variant has a deleterious effect on protein structure/function; Has not been previously published as pathogenic or benign to our knowledge